The following is an entry in ClinVar:

NM_000440.3(PDE6A):c.2479A>C (p.Lys827Gln)

Gene: PDE6A (phosphodiesterase 6A; minus strand). Cytogenetic location: 5q32.
Variant type: single nucleotide variant.
Coding change: c.2479A>C on transcript NM_000440.3 (MANE Select); coding-DNA position 2479, A replaced by C.
Protein change: p.Lys827Gln; replaces lysine 827 with glutamine.
Molecular consequence: missense variant.
Genome position (GRCh38, 1-based): chr5:149,863,146, T>G on the plus strand (A>C on the coding strand, the complement: PDE6A is on the minus strand). VCF-style: chr5-149863146-T-G. GRCh37 (hg19) VCF-style: chr5-149242709-T-G.
Other names: short protein forms K827Q.
Identifiers: ClinVar variation 941774 (VCV000941774.9), dbSNP rs780450680, ClinGen allele CA3504271.

ClinVar aggregate classification (germline): Uncertain significance. Review status: criteria provided, multiple submitters, no conflicts (2 of 4 stars). 3 submissions from 3 submitters: Uncertain significance (2). 1 of the submissions does not count toward it. Last evaluated 2024-10-31.

Conditions:
Retinal dystrophy. Also called: Inherited retinal dystrophy. Identifiers: Orphanet 71862, MedGen C0854723, MeSH D058499, MONDO:0019118, HP:0000556.

Allele frequency attached by ClinVar (database versions not stated): gnomAD 0.00006 and 0.00005; gnomAD exomes 0.00006 and 0.00002; TOPMed 0.00004; ExAC 0.00007.
gnomAD v4.1: 39 of 1,612,692 alleles (0.0024%); highest among the groups gnomAD compares: East Asian, 0.016%; no homozygotes.

Submissions (3):

Blueprint Genetics
Classification: Uncertain significance. Last evaluated: 2024-10-31. Review status: criteria provided, single submitter. Criteria: ACMG Guidelines, 2015. Collection method: clinical testing. Allele origin: germline.

Labcorp Genetics (formerly Invitae), Labcorp
Classification: Uncertain significance. Last evaluated: 2023-07-17. Review status: criteria provided, single submitter. Criteria: Invitae Variant Classification Sherloc (09022015). Collection method: clinical testing. Allele origin: germline.
Comment: This sequence change replaces lysine, which is basic and polar, with glutamine, which is neutral and polar, at codon 827 of the PDE6A protein (p.Lys827Gln). This variant is present in population databases (rs780450680, gnomAD 0.02%). This missense change has been observed in individual(s) with retinitis pigmentosa (PMID: 10393062). ClinVar contains an entry for this variant (Variation ID: 941774). Algorithms developed to predict the effect of missense changes on protein structure and function output the following: SIFT: "Not Available"; PolyPhen-2: "Benign"; Align-GVGD: "Not Available". The glutamine amino acid residue is found in multiple mammalian species, which suggests that this missense change does not adversely affect protein function. In summary, the available evidence is currently insufficient to determine the role of this variant in disease. Therefore, it has been classified as a Variant of Uncertain Significance.

Institute of Human Genetics, Univ. Regensburg, Univ. Regensburg
Classification: Uncertain significance for Retinal dystrophy. Last evaluated: 2023-01-01. Review status: no assertion criteria provided. Criteria: ACMG Guidelines, 2015. Collection method: clinical testing. Allele origin: germline. Affected: yes. Not counted in ClinVar's aggregate classification.

Literature cited by the submitters: PubMed 10393062 (cited by Labcorp Genetics (formerly Invitae), Labcorp).